The following is an entry in ClinVar:

NM_001394067.2(RAPGEF2):c.2106G>C (p.Arg702=)

Gene: RAPGEF2 (Rap guanine nucleotide exchange factor 2; plus strand). Cytogenetic location: 4q32.1.
Variant type: single nucleotide variant.
Coding change: c.2106G>C on transcript NM_001394067.2 (MANE Select); coding-DNA position 2106, G replaced by C.
Protein change: p.Arg702=; no amino-acid change (arginine 702 retained).
Molecular consequence: synonymous variant.
Genome position (GRCh38, 1-based): chr4:159,332,668, G>C. VCF-style: chr4-159332668-G-C. GRCh37 (hg19) VCF-style: chr4-160253820-G-C.
Other names: c.2106G>C, p.Arg702= (NM_001351724.5); c.1758G>C, p.Arg586= (NM_001351725.2, NM_001351726.3); c.1623G>C, p.Arg541= (NM_001351727.4, NM_001351728.4, NM_014247.5).
Identifiers: ClinVar variation 3778278 (VCV003778278.7).

ClinVar aggregate classification (germline): Likely benign (1 of 4 stars; one submission).

gnomAD v4.1: 77 of 1,614,006 alleles (0.0048%); highest among the groups gnomAD compares: Non-Finnish European, 0.006%; no homozygotes.

Submission:

CeGaT Center for Human Genetics Tuebingen
Classification: Likely benign. Last evaluated: 2025-03-01. Review status: criteria provided, single submitter. Criteria: CeGaT Center For Human Genetics Tuebingen Variant Classification Criteria Version 2. Collection method: clinical testing. Allele origin: germline. Affected: yes. Observed: 1 variant allele.
Comment: RAPGEF2: BP4, BP7